The following is an entry in ClinVar:

ClinVar aggregate classification (germline): Uncertain significance. Review status: criteria provided, multiple submitters, no conflicts (2 of 4 stars). 5 submissions from 2 submitters: Uncertain significance (5). Last evaluated 2024-12-02.

Conditions:
Neurofibromatosis, familial spinal (FSNF). Identifiers: Orphanet 636, MedGen C1834235, MONDO:0008078, OMIM 162210. Disease mechanism: loss of function.
Neurofibromatosis-Noonan syndrome (NFNS). Also called: NEUROFIBROMATOSIS WITH NOONAN PHENOTYPE. Identifiers: Orphanet 638, MedGen C2931482, MONDO:0011035, OMIM 601321. Disease mechanism: loss of function.
Neurofibromatosis, type 1 (NF1). Also called: VON RECKLINGHAUSEN DISEASE; NEUROFIBROMATOSIS, TYPE I, SOMATIC; Neurofibromatosis, type I; Peripheral type neurofibromatosis. Identifiers: Orphanet 636, MedGen C0027831, MONDO:0018975, OMIM 162200. Disease mechanism: loss of function.
Café-au-lait macules with pulmonary stenosis (WTSN). Also called: PULMONIC STENOSIS WITH CAFE-AU-LAIT SPOTS. Identifiers: MedGen C0553586, MONDO:0008672, OMIM 193520.

Allele frequency attached by ClinVar (database versions not stated): gnomAD 0.00001; gnomAD exomes 0.00001; TOPMed 0.00001.

Submissions (5):

Labcorp Genetics (formerly Invitae), Labcorp
Classification: Uncertain significance for Neurofibromatosis, type 1. Last evaluated: 2024-12-02. Review status: criteria provided, single submitter. Criteria: Invitae Variant Classification Sherloc (09022015). Collection method: clinical testing. Allele origin: germline.
Comment: This sequence change falls in intron 2 of the NF1 gene. It does not directly change the encoded amino acid sequence of the NF1 protein. This variant is not present in population databases (gnomAD no frequency). This variant has not been reported in the literature in individuals affected with NF1-related conditions. ClinVar contains an entry for this variant (Variation ID: 322567). Algorithms developed to predict the effect of sequence changes on RNA splicing suggest that this variant may disrupt the consensus splice site. In summary, the available evidence is currently insufficient to determine the role of this variant in disease. Therefore, it has been classified as a Variant of Uncertain Significance.

Illumina Laboratory Services, Illumina
Classification: Uncertain significance for Café-au-lait macules with pulmonary stenosis. Last evaluated: 2018-01-12. Review status: criteria provided, single submitter. Criteria: ICSL Variant Classification Criteria 13 December 2019. Collection method: clinical testing. Allele origin: germline.

Illumina Laboratory Services, Illumina
Classification: Uncertain significance for Neurofibromatosis, type 1. Last evaluated: 2018-01-12. Review status: criteria provided, single submitter. Criteria: ICSL Variant Classification Criteria 13 December 2019. Collection method: clinical testing. Allele origin: germline.

Illumina Laboratory Services, Illumina
Classification: Uncertain significance for Neurofibromatosis-Noonan syndrome. Last evaluated: 2018-01-12. Review status: criteria provided, single submitter. Criteria: ICSL Variant Classification Criteria 13 December 2019. Collection method: clinical testing. Allele origin: germline.

Illumina Laboratory Services, Illumina
Classification: Uncertain significance for Neurofibromatosis, familial spinal. Last evaluated: 2018-01-12. Review status: criteria provided, single submitter. Criteria: ICSL Variant Classification Criteria 13 December 2019. Collection method: clinical testing. Allele origin: germline.

NM_001042492.3(NF1):c.205-13T>A

Gene: NF1 (neurofibromin 1; plus strand). Cytogenetic location: 17q11.2.
Variant type: single nucleotide variant.
Coding change: c.205-13T>A on transcript NM_001042492.3 (MANE Select); 13 bases into the intron before coding-DNA position 205, T replaced by A.
Molecular consequence: intron variant.
Genome position (GRCh38, 1-based): chr17:31,158,997, T>A. VCF-style: chr17-31158997-T-A. GRCh37 (hg19) VCF-style: chr17-29486015-T-A.
Other names: c.205-13T>A (NM_000267.4, NM_001128147.3).
Identifiers: ClinVar variation 322567 (VCV000322567.7), dbSNP rs886052797, ClinGen allele CA10639322.
Genomic context (GRCh38, chr17:31,158,997, plus strand): 5'-ACTTTTCAGATGTGTGTTGATTGGTAGCAGAAAGTGAAACTAACTTTTATGTTCTGAATA[T>A]CTTTTCTGTTAGAGAATATTTGGAGAAGCTGCTGAAAAAAATTTATATCTCTCTCAGTTG-3'